The following is an entry in ClinVar:

NM_004959.5(NR5A1):c.1194C>A (p.Asn398Lys)

Gene: NR5A1 (nuclear receptor subfamily 5 group A member 1; minus strand). Cytogenetic location: 9q33.3.
Variant type: single nucleotide variant.
Coding change: c.1194C>A on transcript NM_004959.5 (MANE Select); coding-DNA position 1194, C replaced by A.
Protein change: p.Asn398Lys; replaces asparagine 398 with lysine.
Molecular consequence: missense variant.
Genome position (GRCh38, 1-based): chr9:124,482,950, G>T on the plus strand (C>A on the coding strand, the complement: NR5A1 is on the minus strand). VCF-style: chr9-124482950-G-T. GRCh37 (hg19) VCF-style: chr9-127245229-G-T.
Other names: short protein forms N398K.
Identifiers: ClinVar variation 5007387 (VCV005007387.2).
Genomic context (GRCh38, chr9:124,482,950, plus strand): 5'-CTGCTGGAATTTGTCCCCGCAGTGCGGGTAGTGGCACAGGGTGTAGTCAAGCAGGGCGGC[G>T]TTGGCCTTCTCCTGAGCGTCTTTCACCAGGATGTGGTTATTCAGGAACTTCAAATCTGCA-3'
Protein context (NP_004950.2, residues 388-408): ILVKDAQEKA[Asn398Lys]AALLDYTLCH

ClinVar aggregate classification (germline): Uncertain significance (1 of 4 stars; one submission).

Conditions:
Spermatogenic failure 8 (SPGF8). Identifiers: MedGen C3151406, MONDO:0013504, OMIM 613957.
Premature ovarian failure 7 (POF7). Identifiers: MedGen C2751825, MONDO:0013065, OMIM 612964.
46,XY sex reversal 3. Also called: NR5A1-related 46,XY complete gonadal dysgenesis; 46,XY GONADAL DYSGENESIS, PARTIAL OR COMPLETE, WITH OR WITHOUT ADRENAL FAILURE; DISORDER OF SEX DEVELOPMENT, 46,XY, NR5A1-RELATED; 46,XY SEX REVERSAL, PARTIAL OR COMPLETE, NR5A1-RELATED; SEX REVERSAL, XY, WITH OR WITHOUT ADRENAL FAILURE. Identifiers: MedGen C3489793, MONDO:0013066, OMIM 612965.
46,XX sex reversal 4 (SRXX4). Also called: 46,XX SEX REVERSAL, SRY-NEGATIVE; 46, XX sex reversal 4. Identifiers: MedGen C4479552, MONDO:0060489, OMIM 617480.

gnomAD v4.1: 2 of 1,614,130 alleles (0.00012%); highest among the groups gnomAD compares: East Asian, 0.0022%; no homozygotes.

Submission:

Juno Genomics, Hangzhou Juno Genomics, Inc
Classification: Uncertain significance for 46,XX sex reversal 4; 46,XY sex reversal 3; Premature ovarian failure 7; Spermatogenic failure 8. Review status: criteria provided, single submitter. Criteria: ACMG Guidelines, 2015. Collection method: clinical testing. Allele origin: germline.
Comment: Absent from controls (or at extremely low frequency if recessive) in Genome Aggregation Database.;Multiple lines of computational evidence support a deleterious effect on the gene or gene product.